The following is an entry in ClinVar:

ClinVar aggregate classification (germline): Uncertain significance (1 of 4 stars; one submission).

Conditions:
Familial thoracic aortic aneurysm and aortic dissection (TAAD). Also called: Thoracic aortic aneurysms and dissections. Identifiers: Orphanet 91387, MedGen C4707243, MONDO:0019625.

Submission:

Ambry Genetics
Classification: Uncertain significance for Familial thoracic aortic aneurysm and aortic dissection. Last evaluated: 2022-05-02. Review status: criteria provided, single submitter. Criteria: Ambry Variant Classification Scheme 2023. Collection method: clinical testing. Allele origin: germline.
Comment: The p.Y2371S variant (also known as c.7112A>C), located in coding exon 42 of the FLNA gene, results from an A to C substitution at nucleotide position 7112. The tyrosine at codon 2371 is replaced by serine, an amino acid with dissimilar properties. This amino acid position is not well conserved in available vertebrate species. In addition, this alteration is predicted to be tolerated by in silico analysis. Since supporting evidence is limited at this time, the clinical significance of this alteration remains unclear.

NM_001110556.2(FLNA):c.7136A>C (p.Tyr2379Ser)

Gene: FLNA (filamin A; minus strand). Cytogenetic location: Xq28.
Variant type: single nucleotide variant.
Coding change: c.7136A>C on transcript NM_001110556.2 (MANE Select); coding-DNA position 7136, A replaced by C.
Protein change: p.Tyr2379Ser; replaces tyrosine 2379 with serine.
Molecular consequence: missense variant.
Genome position (GRCh38, 1-based): chrX:154,350,929, T>G on the plus strand (A>C on the coding strand, the complement: FLNA is on the minus strand). VCF-style: chrX-154350929-T-G. GRCh37 (hg19) VCF-style: chrX-153579297-T-G.
Other names: c.7112A>C, p.Tyr2371Ser (NM_001456.4); short protein forms Y2371S, Y2379S.
Identifiers: ClinVar variation 1757231 (VCV001757231.2), dbSNP rs1206916365, ClinGen allele CA415184778.